The following is an entry in ClinVar:

NM_012158.4(FBXL3):c.831G>A (p.Trp277Ter)

Gene: FBXL3 (F-box and leucine rich repeat protein 3; minus strand). Cytogenetic location: 13q22.3.
Variant type: single nucleotide variant.
Coding change: c.831G>A on transcript NM_012158.4 (MANE Select); coding-DNA position 831, G replaced by A.
Protein change: p.Trp277Ter; replaces tryptophan 277 with a stop codon.
Molecular consequence: nonsense.
Genome position (GRCh38, 1-based): chr13:77,007,601, C>T on the plus strand (G>A on the coding strand, the complement: FBXL3 is on the minus strand). VCF-style: chr13-77007601-C-T. GRCh37 (hg19) VCF-style: chr13-77581736-C-T.
Other names: short protein forms W277*.
Identifiers: ClinVar variation 4883518 (VCV004883518.2).

ClinVar aggregate classification (germline): Likely pathogenic (1 of 4 stars; one submission).

Conditions:
Intellectual disability, short stature, facial anomalies, and joint dislocations. Identifiers: MedGen C1853507, MONDO:0011651, OMIM 606220.

Submission:

Dasa
Classification: Likely pathogenic for Intellectual disability, short stature, facial anomalies, and joint dislocations. Last evaluated: 2025-09-04. Review status: criteria provided, single submitter. Criteria: DASA Assertion Criteria. Collection method: clinical testing. Allele origin: germline.
Comment: NM_012158.4(FBXL3):c.831G>A (p.Trp277*) is a nonsense variant in FBXL3 predicted to introduce a premature termination codon and is predicted to result in an absent or altered protein product. Loss of function is an established disease mechanism for FBXL3-associated disorders. Also, this variant is absent from population databases. Based on the currently available evidence, this variant is classified as likely pathogenic.